The following is an entry in ClinVar:

NM_001330691.3(CEP78):c.1737G>A (p.Ala579=)

Gene: CEP78 (centrosomal protein 78; plus strand). Cytogenetic location: 9q21.2.
Variant type: single nucleotide variant.
Coding change: c.1737G>A on transcript NM_001330691.3 (MANE Select); coding-DNA position 1737, G replaced by A.
Protein change: p.Ala579=; no amino-acid change (alanine 579 retained).
Molecular consequence: synonymous variant.
Genome position (GRCh38, 1-based): chr9:78,265,483, G>A. VCF-style: chr9-78265483-G-A. GRCh37 (hg19) VCF-style: chr9-80880399-G-A.
Other names: c.1740G>A, p.Ala580= (NM_001098802.3, NM_001349839.2, NM_001349840.2 and 1 more transcripts); c.1737G>A, p.Ala579= (NM_001330693.3, NM_001330694.2, NM_001349838.2); c.1740G>A (NM_001098802.1).
Identifiers: ClinVar variation 1564202 (VCV001564202.10), dbSNP rs189732612, ClinGen allele CA5095342.

ClinVar aggregate classification (germline): Likely benign. Review status: criteria provided, single submitter (1 of 4 stars). 2 submissions from 2 submitters: Likely benign (1). 1 of the submissions does not count toward it. Last evaluated 2025-02-03.

Conditions:
CEP78-related disorder. Also called: CEP78-related condition.

Allele frequency attached by ClinVar (database versions not stated): 1000 Genomes Project 30x 0.00016.
gnomAD v4.1: 78 of 1,588,620 alleles (0.0049%); highest among the groups gnomAD compares: East Asian, 0.014%; no homozygotes.

Submissions (2):

Labcorp Genetics (formerly Invitae), Labcorp
Classification: Likely benign. Last evaluated: 2025-02-03. Review status: criteria provided, single submitter. Criteria: Invitae Variant Classification Sherloc (09022015). Collection method: clinical testing. Allele origin: germline.

PreventionGenetics, part of Exact Sciences
Classification: Likely benign for CEP78-related condition. Last evaluated: 2020-02-19. Review status: no assertion criteria provided. Collection method: clinical testing. Allele origin: germline. Not counted in ClinVar's aggregate classification.
Comment: This variant is classified as likely benign based on ACMG/AMP sequence variant interpretation guidelines (Richards et al. 2015 PMID: 25741868, with internal and published modifications).